The following is an entry in ClinVar:

NM_005215.4(DCC):c.743A>G (p.Asn248Ser)

Gene: DCC (DCC netrin 1 receptor; plus strand). Cytogenetic location: 18q21.2.
Variant type: single nucleotide variant.
Coding change: c.743A>G on transcript NM_005215.4 (MANE Select); coding-DNA position 743, A replaced by G.
Protein change: p.Asn248Ser; replaces asparagine 248 with serine.
Molecular consequence: missense variant.
Genome position (GRCh38, 1-based): chr18:52,923,752, A>G. VCF-style: chr18-52923752-A-G. GRCh37 (hg19) VCF-style: chr18-50450122-A-G.
Other names: short protein forms N248S.
Identifiers: ClinVar variation 2442734 (VCV002442734.1), dbSNP rs755869531, ClinGen allele CA8966627.

ClinVar aggregate classification (germline): Uncertain significance (1 of 4 stars; one submission).

Allele frequency attached by ClinVar (database versions not stated): gnomAD exomes 0.00004; ExAC 0.00007; gnomAD 0.00008; TOPMed 0.00008.

Submission:

GeneDx
Classification: Uncertain significance. Last evaluated: 2022-09-01. Review status: criteria provided, single submitter. Criteria: GeneDx Variant Classification Process June 2021. Collection method: clinical testing. Allele origin: germline. Affected: yes.
Comment: In silico analysis supports that this missense variant does not alter protein structure/function; Has not been previously published as pathogenic or benign to our knowledge